The following is an entry in ClinVar:

NM_020297.4(ABCC9):c.816+1G>A

Gene: ABCC9 (ATP binding cassette subfamily C member 9; minus strand). Cytogenetic location: 12p12.1.
Variant type: single nucleotide variant.
Coding change: c.816+1G>A on transcript NM_020297.4 (MANE Select); the canonical splice donor site of the intron after coding-DNA position 816, G replaced by A.
Molecular consequence: splice donor variant. On other transcripts: intron variant (1).
Genome position (GRCh38, 1-based): chr12:21,915,667, C>T on the plus strand (G>A on the coding strand, the complement: ABCC9 is on the minus strand). VCF-style: chr12-21915667-C-T. GRCh37 (hg19) VCF-style: chr12-22068601-C-T.
Other names: c.-48-2601G>A (NM_001377274.1); c.816+1G>A (NM_005691.4, NM_001377273.1).
Identifiers: ClinVar variation 5005079 (VCV005005079.2).

ClinVar aggregate classification (germline): Uncertain significance (1 of 4 stars; one submission).

Conditions:
Intellectual disability and myopathy syndrome (IDMYS). Identifiers: MedGen C5676904, MONDO:0859224, OMIM 619719.
Atrial fibrillation, familial, 12 (ATFB12). Identifiers: MedGen C3279695, MONDO:0013545, OMIM 614050.
Dilated cardiomyopathy 1O (CMD1O). Also called: CARDIOMYOPATHY, DILATED, WITH VENTRICULAR TACHYCARDIA. Identifiers: Orphanet 154, MedGen C1837839, MONDO:0012062, OMIM 608569.
Hypertrichotic osteochondrodysplasia Cantu type. Also called: Cantú Syndrome; Cantu Syndrome. Identifiers: Orphanet 1517, MedGen C0795905, MONDO:0009406, OMIM 239850.

Submission:

Juno Genomics, Hangzhou Juno Genomics, Inc
Classification: Uncertain significance for Atrial fibrillation, familial, 12; Dilated cardiomyopathy 1O; Hypertrichotic osteochondrodysplasia Cantu type; Intellectual disability and myopathy syndrome. Review status: criteria provided, single submitter. Criteria: ACMG Guidelines, 2015. Collection method: clinical testing. Allele origin: germline.
Comment: Absent from controls (or at extremely low frequency if recessive) in Genome Aggregation Database.